The following is an entry in ClinVar:

NM_002887.3(RARS1):c.-57_-32del26

Gene: RARS1 (arginyl-tRNA synthetase 1; plus strand). Cytogenetic location: 5q34.
Variant type: Deletion.
Coding change: c.-57_-32del26 on transcript NM_002887.3; 57 bases upstream of the start codon through 32 bases upstream of the start codon, 26 bases deleted (GGAGAGGCTGACCGTTTCCGCTTCCG).
Genome position (GRCh38, 1-based): chr5:168,486,442-168,486,467, GGAGAGGCTGACCGTTTCCGCTTCCG deleted; deleting any 26 consecutive bases within chr5:168,486,429-168,486,467 gives the same sequence; the c. name uses the placement nearest the transcript's 3' end. VCF-style (leftmost placement, unchanged base first): chr5-168486428-GGTTTCCGCTTCCGGGAGAGGCTGACC-G. GRCh37 (hg19) VCF-style: chr5-167913433-GGTTTCCGCTTCCGGGAGAGGCTGACC-G.
Other names: c.-57_-32delGGAGAGGCTGACCGTTTCCGCTTCCG (NM_002887.3).
Identifiers: ClinVar variation 422042 (VCV000422042.3), dbSNP rs1064795518, ClinGen allele CA16618163.

ClinVar aggregate classification (germline): Likely benign (1 of 4 stars; one submission).

Submission:

GeneDx
Classification: Likely benign. Last evaluated: 2016-08-30. Review status: criteria provided, single submitter. Criteria: GeneDx Variant Classification (06012015). Collection method: clinical testing. Allele origin: germline. Affected: yes.
Comment: This variant is considered likely benign or benign based on one or more of the following criteria: it is a conservative change, it occurs at a poorly conserved position in the protein, it is predicted to be benign by multiple in silico algorithms, and/or has population frequency not consistent with disease.